The following is an entry in ClinVar:

ClinVar aggregate classification (germline): Uncertain significance (1 of 4 stars; one submission).

Conditions:
Ehlers-Danlos syndrome, spondylodysplastic type, 3. Also called: Ehlers-Danlos syndrome, spondylocheirodysplastic type. Identifiers: Orphanet 157965, MedGen C2676510, MONDO:0012873, OMIM 612350.

Allele frequency attached by ClinVar (database versions not stated): ExAC 0.00001; gnomAD exomes 0.00001.

Submission:

Labcorp Genetics (formerly Invitae), Labcorp
Classification: Uncertain significance for Ehlers-Danlos syndrome, spondylodysplastic type, 3. Last evaluated: 2022-08-31. Review status: criteria provided, single submitter. Criteria: Invitae Variant Classification Sherloc (09022015). Collection method: clinical testing. Allele origin: germline.
Comment: In summary, the available evidence is currently insufficient to determine the role of this variant in disease. Therefore, it has been classified as a Variant of Uncertain Significance. Algorithms developed to predict the effect of missense changes on protein structure and function are either unavailable or do not agree on the potential impact of this missense change (SIFT: "Tolerated"; PolyPhen-2: "Possibly Damaging"; Align-GVGD: "Class C0"). This variant has not been reported in the literature in individuals affected with SLC39A13-related conditions. This variant is present in population databases (rs773579273, gnomAD 0.003%). This sequence change replaces threonine, which is neutral and polar, with methionine, which is neutral and non-polar, at codon 44 of the SLC39A13 protein (p.Thr44Met).

NM_001128225.3(SLC39A13):c.131C>T (p.Thr44Met)

Gene: SLC39A13 (solute carrier family 39 member 13; plus strand). Cytogenetic location: 11p11.2.
Variant type: single nucleotide variant.
Coding change: c.131C>T on transcript NM_001128225.3 (MANE Select); coding-DNA position 131, C replaced by T.
Protein change: p.Thr44Met; replaces threonine 44 with methionine.
Molecular consequence: missense variant. On other transcripts: non-coding transcript variant (1).
Genome position (GRCh38, 1-based): chr11:47,410,225, C>T. VCF-style: chr11-47410225-C-T. GRCh37 (hg19) VCF-style: chr11-47431776-C-T.
Other names: c.131C>T, p.Thr44Met (NM_001330245.2, NM_152264.5); short protein forms T44M.
Identifiers: ClinVar variation 2043006 (VCV002043006.4), dbSNP rs773579273, ClinGen allele CA5975673.